The following is an entry in ClinVar:

NM_006364.4(SEC23A):c.808A>G (p.Ile270Val)

Gene: SEC23A (SEC23 homolog A, COPII component; minus strand). Cytogenetic location: 14q21.1.
Variant type: single nucleotide variant.
Coding change: c.808A>G on transcript NM_006364.4 (MANE Select); coding-DNA position 808, A replaced by G.
Protein change: p.Ile270Val; replaces isoleucine 270 with valine.
Molecular consequence: missense variant.
Genome position (GRCh38, 1-based): chr14:39,085,782, T>C on the plus strand (A>G on the coding strand, the complement: SEC23A is on the minus strand). VCF-style: chr14-39085782-T-C. GRCh37 (hg19) VCF-style: chr14-39554986-T-C.
Other names: short protein forms I270V.
Identifiers: ClinVar variation 2918885 (VCV002918885.3), dbSNP rs1887422826, ClinGen allele CA389536028.

ClinVar aggregate classification (germline): Uncertain significance (1 of 4 stars; one submission).

Conditions:
Craniolenticulosutural dysplasia (CLSD). Also called: BOYADJIEV-JABS SYNDROME. Identifiers: Orphanet 50814, MedGen C1843042, MONDO:0011911, OMIM 607812.

Allele frequency attached by ClinVar (database versions not stated): gnomAD exomes below 0.00001; gnomAD 0.00001; TOPMed 0.00001.
gnomAD v4.1: 7 of 1,613,424 alleles (0.00043%); highest among the groups gnomAD compares: Non-Finnish European, 0.00059%; no homozygotes.

Submission:

Labcorp Genetics (formerly Invitae), Labcorp
Classification: Uncertain significance for Craniolenticulosutural dysplasia. Last evaluated: 2024-01-02. Review status: criteria provided, single submitter. Criteria: Invitae Variant Classification Sherloc (09022015). Collection method: clinical testing. Allele origin: germline.
Comment: This sequence change replaces isoleucine, which is neutral and non-polar, with valine, which is neutral and non-polar, at codon 270 of the SEC23A protein (p.Ile270Val). This variant is not present in population databases (gnomAD no frequency). This variant has not been reported in the literature in individuals affected with SEC23A-related conditions. Advanced modeling of protein sequence and biophysical properties (such as structural, functional, and spatial information, amino acid conservation, physicochemical variation, residue mobility, and thermodynamic stability) performed at Invitae indicates that this missense variant is not expected to disrupt SEC23A protein function with a negative predictive value of 80%. In summary, the available evidence is currently insufficient to determine the role of this variant in disease. Therefore, it has been classified as a Variant of Uncertain Significance.